The following is an entry in ClinVar:

ClinVar aggregate classification (germline): Uncertain significance (1 of 4 stars; one submission).

Conditions:
Epidermolysis bullosa simplex 3, localized or generalized intermediate, with BP230 deficiency (EBS3). Also called: Epidermolysis bullosa simplex due to BP230 deficiency; Epidermolysis bullosa simplex, autosomal recessive 2. Identifiers: Orphanet 412181, MedGen C3809470, MONDO:0014180, OMIM 615425.
Hereditary sensory and autonomic neuropathy type 6. Also called: Neuropathy, hereditary sensory and autonomic, type VI; HSAN VI. Identifiers: Orphanet 314381, MedGen C3539003, MONDO:0013839, OMIM 614653.

Allele frequency attached by ClinVar (database versions not stated): gnomAD exomes 0.00001; ExAC 0.00002; TOPMed 0.00004; gnomAD 0.00005 and 0.00006.

Submission:

Labcorp Genetics (formerly Invitae), Labcorp
Classification: Uncertain significance for Epidermolysis bullosa simplex 3, localized or generalized intermediate, with BP230 deficiency; Hereditary sensory and autonomic neuropathy type 6. Last evaluated: 2022-07-12. Review status: criteria provided, single submitter. Criteria: Invitae Variant Classification Sherloc (09022015). Collection method: clinical testing. Allele origin: germline.
Comment: The DST gene has multiple clinically relevant transcripts. This variant occurs in alternate transcript NM_015548.4, and corresponds to NM_001723.5:c.*15449_*15450dup in the primary transcript. This sequence change falls in intron 26 of the DST gene. It does not directly change the encoded amino acid sequence of the DST protein. It affects a nucleotide within the consensus splice site. This variant is present in population databases (rs752591146, gnomAD 0.02%). This variant has not been reported in the literature in individuals affected with DST-related conditions. ClinVar contains an entry for this variant (Variation ID: 972380). Variants that disrupt the consensus splice site are a relatively common cause of aberrant splicing (PMID: 17576681, 9536098). Algorithms developed to predict the effect of sequence changes on RNA splicing suggest that this variant may disrupt the consensus splice site. In summary, the available evidence is currently insufficient to determine the role of this variant in disease. Therefore, it has been classified as a Variant of Uncertain Significance.

Literature cited by the submitters: PubMed 17576681; PubMed 9536098.

NM_001374736.1(DST):c.11694+1_11694+2dup

Gene: DST (dystonin; minus strand). Cytogenetic location: 6p12.1.
Variant type: Duplication.
Coding change: c.11694+1_11694+2dup on transcript NM_001374736.1 (MANE Select); the canonical splice donor site of the intron after coding-DNA position 11694, 2 bases duplicated (GT; older notation c.11694+1_11694+2dupGT).
Molecular consequence: splice donor variant.
Genome position (GRCh38, 1-based): chr6:56,600,067-56,600,068, AC duplicated on the plus strand (GT on the coding strand, the reverse complement: DST is on the minus strand). VCF-style (leftmost placement, unchanged base first): chr6-56600066-T-TAC. GRCh37 (hg19) VCF-style: chr6-56464864-T-TAC.
Other names: c.5337+1_5337+2dup (NM_001144769.5); c.11694+1_11694+2dup (NM_001374722.1); c.11721+1_11721+2dup (NM_001374734.1); c.4923+1_4923+2dup (NM_001144770.2); c.4803+1_4803+2dup (NM_001374730.1, NM_183380.4); c.11061+1_11061+2dup (NM_001374729.1); c.3825+1_3825+2dup (NM_015548.5).
Identifiers: ClinVar variation 972380 (VCV000972380.7), dbSNP rs752591146, ClinGen allele CA3868603.